The following is an entry in ClinVar:

ClinVar aggregate classification (germline): Pathogenic (1 of 4 stars; one submission).

Conditions:
Hereditary spastic paraplegia 11. Also called: Spastic paraplegia, mental retardation and thin corpus callosum; SPASTIC PARAPLEGIA, AUTOSOMAL RECESSIVE, COMPLICATED, WITH THIN CORPUS CALLOSUM; SPASTIC PARAPLEGIA, AUTOSOMAL RECESSIVE, WITH MENTAL IMPAIRMENT AND THIN CORPUS CALLOSUM; Spastic Paraplegia 11; Nakamura Osame syndrome; Autosomal recessive hereditary spastic paraplegia, mental impairment, and thin corpus callosum. Identifiers: Orphanet 2822, MedGen C1858479, MONDO:0011445, OMIM 604360.

Submission:

Labcorp Genetics (formerly Invitae), Labcorp
Classification: Pathogenic for Hereditary spastic paraplegia 11. Last evaluated: 2024-07-25. Review status: criteria provided, single submitter. Criteria: Invitae Variant Classification Sherloc (09022015). Collection method: clinical testing. Allele origin: germline.
Comment: This sequence change creates a premature translational stop signal (p.Phe2361Leufs*13) in the SPG11 gene. While this is not anticipated to result in nonsense mediated decay, it is expected to disrupt the last 83 amino acid(s) of the SPG11 protein. This variant is not present in population databases (gnomAD no frequency). This variant has not been reported in the literature in individuals affected with SPG11-related conditions. This variant disrupts a region of the SPG11 protein in which other variant(s) (p.His2388Thrfs*6) have been determined to be pathogenic (PMID: 33624863; Invitae). This suggests that this is a clinically significant region of the protein, and that variants that disrupt it are likely to be disease-causing. For these reasons, this variant has been classified as Pathogenic.

Literature cited by the submitters: PubMed 33624863.

NM_025137.4(SPG11):c.7083del (p.Phe2361fs)

Gene: SPG11 (SPG11 vesicle trafficking associated, spatacsin; minus strand). Cytogenetic location: 15q21.1.
Variant type: Deletion.
Coding change: c.7083del on transcript NM_025137.4 (MANE Select); coding-DNA position 7083, one base deleted (T; older notation c.7083delT).
Protein change: p.Phe2361fs; shifts the reading frame from phenylalanine 2361.
Molecular consequence: frameshift variant.
Genome position (GRCh38, 1-based): chr15:44,564,615, A deleted on the plus strand (T on the coding strand, the reverse complement: SPG11 is on the minus strand); the first of 3 consecutive A bases (chr15:44,564,615-44,564,617); deleting any one gives the same sequence. VCF-style (leftmost placement, unchanged base first): chr15-44564614-TA-T. GRCh37 (hg19) VCF-style: chr15-44856812-TA-T.
Other names: c.6744del, p.Phe2248fs (NM_001160227.2); c.6939del, p.Phe2313fs (NM_001411132.1); short protein forms F2361fs, F2313fs, F2248fs.
Identifiers: ClinVar variation 3690556 (VCV003690556.2).